The following is an entry in ClinVar:

ClinVar aggregate classification (germline): Likely pathogenic (1 of 4 stars; one submission).

Allele frequency attached by ClinVar (database versions not stated): gnomAD exomes below 0.00001.
gnomAD v4.1: 1 of 1,613,842 alleles (0.000062%); highest among the groups gnomAD compares: South Asian, 0.0011%; no homozygotes.

Submission:

Labcorp Genetics (formerly Invitae), Labcorp
Classification: Likely pathogenic. Last evaluated: 2020-05-05. Review status: criteria provided, single submitter. Criteria: Invitae Variant Classification Sherloc (09022015). Collection method: clinical testing. Allele origin: germline.
Comment: This sequence change affects an acceptor splice site in intron 7 of the SLC25A1 gene. It is expected to disrupt RNA splicing and likely results in an absent or disrupted protein product. This variant is not present in population databases (ExAC no frequency). In summary, the currently available evidence indicates that the variant is pathogenic, but additional data are needed to prove that conclusively. Therefore, this variant has been classified as Likely Pathogenic. Donor and acceptor splice site variants typically lead to a loss of protein function (PMID: 16199547), and loss-of-function variants in SLC25A1 are known to be pathogenic (PMID: 23561848). Algorithms developed to predict the effect of sequence changes on RNA splicing suggest that this variant may disrupt the consensus splice site, but this prediction has not been confirmed by published transcriptional studies. This variant has not been reported in the literature in individuals with SLC25A1-related conditions.

Literature cited by the submitters: PubMed 16199547; PubMed 23561848.

NM_005984.5(SLC25A1):c.748-1G>C

Gene: SLC25A1 (solute carrier family 25 member 1; minus strand). Cytogenetic location: 22q11.21.
Variant type: single nucleotide variant.
Coding change: c.748-1G>C on transcript NM_005984.5 (MANE Select); the canonical splice acceptor site of the intron before coding-DNA position 748, G replaced by C.
Molecular consequence: splice acceptor variant.
Genome position (GRCh38, 1-based): chr22:19,176,495, C>G on the plus strand (G>C on the coding strand, the complement: SLC25A1 is on the minus strand). VCF-style: chr22-19176495-C-G. GRCh37 (hg19) VCF-style: chr22-19164008-C-G.
Other names: c.439-1G>C (NM_001287387.2); c.769-1G>C (NM_001256534.2).
Identifiers: ClinVar variation 1068353 (VCV001068353.7), dbSNP rs1555922327, ClinGen allele CA410635689.
Genomic context (GRCh38, chr22:19,176,495, plus strand): 5'-CTTCTTCAGGATCTGCAAGCCGCAGTCCCACGTGTTCCGGTATTTGTGCGCCTCCAGGCC[C>G]TATGGGGGACATCAGCAGGCAGGGGCTCAGCAGCTAGCTCTGGCCTGGTCCCCCCTTCCC-3'